The following is an entry in ClinVar:

NM_001267550.2(TTN):c.31203T>G (p.Tyr10401Ter)

Gene: TTN (titin; minus strand). Cytogenetic location: 2q31.2.
Variant type: single nucleotide variant.
Coding change: c.31203T>G on transcript NM_001267550.2 (MANE Select); coding-DNA position 31203, T replaced by G.
Protein change: p.Tyr10401Ter; replaces tyrosine 10401 with a stop codon.
Molecular consequence: nonsense. On other transcripts: intron variant (3).
Genome position (GRCh38, 1-based): chr2:178,695,869, A>C on the plus strand (T>G on the coding strand, the complement: TTN is on the minus strand). VCF-style: chr2-178695869-A-C. GRCh37 (hg19) VCF-style: chr2-179560596-A-C.
Other names: c.30252T>G, p.Tyr10084Ter (NM_001256850.1); c.27471T>G, p.Tyr9157Ter (NM_133378.4); c.13282+42213T>G (NM_003319.4); c.13858+42213T>G (NM_133437.4); c.13657+42213T>G (NM_133432.3); short protein forms Y10084*, Y10401*, Y9157*.
Identifiers: ClinVar variation 3751636 (VCV003751636.2).
Genomic context (GRCh38, chr2:178,695,869, plus strand): 5'-ATGAACTGAGCAAAAATGAAGAAAAGAGGGAAACAAGTCATTCAGTTTATACATACCTTC[A>C]TAGACCTCCTTTTGAACTTGAATTACTTCCCTTTCTTGGTAAGCCTCTTCCCACTCTTCC-3'

ClinVar aggregate classification (germline): Likely pathogenic (1 of 4 stars; one submission).

Conditions:
Autosomal recessive limb-girdle muscular dystrophy type 2J (LGMDR10). Also called: Limb-girdle muscular dystrophy, type 2J; MUSCULAR DYSTROPHY, LIMB-GIRDLE, AUTOSOMAL RECESSIVE 10. Identifiers: Orphanet 140922, MedGen C1837342, MONDO:0012127, OMIM 608807.
Dilated cardiomyopathy 1G (CMD1G). Identifiers: Orphanet 154, MedGen C1858763, MONDO:0011400, OMIM 604145.

Submission:

Labcorp Genetics (formerly Invitae), Labcorp
Classification: Likely pathogenic for Dilated cardiomyopathy 1G; Autosomal recessive limb-girdle muscular dystrophy type 2J. Last evaluated: 2024-10-16. Review status: criteria provided, single submitter. Criteria: Invitae Variant Classification Sherloc (09022015). Collection method: clinical testing. Allele origin: germline.
Comment: This sequence change creates a premature translational stop signal (p.Tyr10401*) in the TTN gene. While this is not anticipated to result in nonsense mediated decay, it is expected to create a truncated TTN protein. This variant is not present in population databases (gnomAD no frequency). This variant has not been reported in the literature in individuals affected with TTN-related conditions. This variant is located in the I band of TTN (PMID: 25589632). Truncating variants in this region have been reported in individuals affected with autosomal recessive centronuclear myopathy (PMID: 23975875, internal data). Truncating variants in this region have also been identified in individuals affected with autosomal dominant dilated cardiomyopathy and/or cardio-related conditions (PMID: 27869827, 32964742, internal data). In summary, the currently available evidence indicates that the variant is pathogenic, but additional data are needed to prove that conclusively. Therefore, this variant has been classified as Likely Pathogenic.

Literature cited by the submitters: PubMed 25589632; PubMed 23975875; PubMed 27869827; PubMed 32964742.